The following is an entry in ClinVar:

NM_000091.5(COL4A3):c.4547G>A (p.Arg1516Gln)

Genes: COL4A3 (collagen type IV alpha 3 chain; plus strand), MFF-DT (MFF divergent transcript; minus strand). Cytogenetic location: 2q36.3.
Variant type: single nucleotide variant.
Coding change: c.4547G>A on transcript NM_000091.5 (MANE Select); coding-DNA position 4547, G replaced by A.
Protein change: p.Arg1516Gln; replaces arginine 1516 with glutamine.
Molecular consequence: missense variant.
Genome position (GRCh38, 1-based): chr2:227,308,983, G>A. VCF-style: chr2-227308983-G-A. GRCh37 (hg19) VCF-style: chr2-228173699-G-A.
Other names: short protein forms R1516Q.
Identifiers: ClinVar variation 2585321 (VCV002585321.6), dbSNP rs368726092, ClinGen allele CA2147573.

ClinVar aggregate classification (germline): Uncertain significance. Review status: criteria provided, multiple submitters, no conflicts (2 of 4 stars). 6 submissions from 5 submitters: Uncertain significance (5). 1 of the submissions does not count toward it. Last evaluated 2023-12-11.

Conditions:
Alport syndrome 3b, autosomal recessive. Identifiers: MedGen C5882699, MONDO:0957811, OMIM 620536.
COL4A3-related disorder. Also called: COL4A3-related condition; COL4A3-Related Disorders.
Autosomal recessive Alport syndrome (ATS2). Also called: COL4A4 Alport Syndrome and Thin Basement Membrane Nephropathy; Alport syndrome type 2; COL4A3-Related Nephropathy; ALPORT SYNDROME 2, AUTOSOMAL RECESSIVE. Identifiers: Orphanet 63, Orphanet 88919, MedGen C4746745, MONDO:0008762, OMIM 203780.
Benign familial hematuria. Also called: thin basement membrane disease. Identifiers: MedGen C0241908, MONDO:0957317.
Autosomal dominant Alport syndrome (ATS3A). Also called: Alport syndrome dominant type; Renal failure and sensorineural hearing loss; ALPORT SYNDROME 3A, AUTOSOMAL DOMINANT. Identifiers: Orphanet 63, Orphanet 88918, MedGen C5882663, MONDO:0007086, OMIM 104200.
Alport syndrome. Also called: Hemorrhagic familial nephritis; Hemorrhagic hereditary nephritis; Congenital hereditary hematuria. Identifiers: Orphanet 63, MedGen C1567741, MONDO:0018965.

Allele frequency attached by ClinVar (database versions not stated): ExAC 0.00007; ESP Exome Variant Server 0.00025; gnomAD 0.00002; TOPMed 0.00003; gnomAD exomes 0.00004.

Submissions (6):

3billion
Classification: Uncertain significance for Alport syndrome 3b, autosomal recessive. Last evaluated: 2023-12-11. Review status: criteria provided, single submitter. Criteria: ACMG Guidelines, 2015. Collection method: clinical testing. Allele origin: germline. Affected: yes.
Comment: The variant is observed at an extremely low frequency in the gnomAD v2.1.1 dataset (total allele frequency: 0.007%). Predicted Consequence/Location: Missense variant In silico tool predictions suggest damaging effect of the variant on gene or gene product [REVEL: 0.72 (>=0.6, sensitivity 0.68 and specificity 0.92)]. Therefore, this variant is classified as VUS according to the recommendation of ACMG/AMP guideline.

Victorian Clinical Genetics Services, Murdoch Childrens Research Institute
Classification: Uncertain significance for Alport syndrome. Last evaluated: 2022-09-02. Review status: criteria provided, single submitter. Criteria: ACMG Guidelines, 2015. Collection method: clinical testing. Allele origin: germline. Affected: yes.
Comment: Based on the classification scheme VCGS_Germline_v1.3.4, this variant is classified as VUS-3B. Following criteria are met: 0103 - Dominant negative and loss of function are known mechanisms of disease in this gene and are associated with Alport syndrome (MONDO:0018965), COL4A3-related. Glycine changes that are part of a G-X-Y repeat in the triple helix of a collagen domain are known to have a dominant negative effect (PMID: 12028435). (I) 0108 - This gene is associated with both recessive (Alport syndrome 2 MIM#203780) and dominant disease (Alport syndrome 3 MIM#104200 and benign familial hematuria MIM#141200) (OMIM). (I) 0200 - Variant is predicted to result in a missense amino acid change from arginine to glutamine. (I) 0251 - This variant is heterozygous. (I) 0304 - Variant is present in gnomAD (v2) <0.01 (19 heterozygotes, 0 homozygotes). (SP) 0501 - Missense variant consistently predicted to be damaging by multiple in silico tools or highly conserved with a major amino acid change. (SP) 0600 - Variant is located in the annotated C-terminal tandem repeated domain in type 4 procollagen (DECIPHER). (I) 0705 - No comparable missense variants have previous evidence for pathogenicity. (I) 0809 - Previous evidence of pathogenicity for this variant is inconclusive. This variant has been observed as heterozygous in an individual with nephrotic syndrome who also had a homozygous NPHS1 missense variant that has been classified as pathogenic and likely pathogenic by clinical laboratories in ClinVar (PMID: 33980730). (I) 0905 - No published segregation evidence has been identified for this variant. (I) 1007 - No published functional evidence has been identified for this variant. (I) 1208 - Inheritance information for this variant is not currently available in this individual. (I) Legend: (SP) - Supporting pathogenic, (I) - Information, (SB) - Supporting benign

Genetics laboratory, Institute of Kidney Diseases & Research Centre Dr. H.L. Trivedi Institute Of Transplantation Sciences
Classification: Uncertain significance for Autosomal dominant Alport syndrome. Review status: criteria provided, single submitter. Criteria: ACMG Guidelines, 2015. Collection method: clinical testing. Allele origin: germline. Inheritance: Autosomal dominant inheritance. Affected: yes. Observed: 1 variant allele, 1 heterozygote.
Comment: The COL4A3 variant c.4547G>A (p.Arg1516Gln) is classified as a Variant of Uncertain Significance based on ACMG criteria (PM2, PP3). The variant is rare in population databases and in silico tools suggest a possible deleterious effect; however, insufficient evidence is available to establish pathogenicity.

Neuberg Centre For Genomic Medicine, NCGM
Classification: Uncertain significance for Hematuria, benign familial, 1. Review status: criteria provided, single submitter. Criteria: ACMG Guidelines, 2015. Collection method: clinical testing. Allele origin: germline. Inheritance: Autosomal dominant inheritance. Affected: yes.
Comment: The missense variant c.4547G>A (p.Arg1516Gln) in COL4A3 gene has not been reported previously as a pathogenic variant nor as a benign variant, to our knowledge. The p.Arg1516Gln variant is reported with the allele frequency (0.007%) in the gnomAD Exomes and is novel (not in any individuals) in 1000 Genomes. The amino acid Arg at position 1516 is changed to a Gln changing protein sequence and it might alter its composition and physico-chemical properties. The variant is predicted to be damaging by both SIFT and PolyPhen2. The residue is conserved across species. The amino acid change p.Arg1516Gln in COL4A3 is predicted as conserved by GERP++ and PhyloP across 100 vertebrates. For these reasons, this variant has been classified as Variant of Uncertain Significance (VUS).

Neuberg Centre For Genomic Medicine, NCGM
Classification: Uncertain significance for Autosomal recessive Alport syndrome. Review status: criteria provided, single submitter. Criteria: ACMG Guidelines, 2015. Collection method: clinical testing. Allele origin: germline. Inheritance: Autosomal recessive inheritance. Affected: yes.
Comment: The missense variant c.4547G>A(p.Arg1516Gln) in COL4A3 gene has not been reported previously as a pathogenic variant nor as a benign variant, to our knowledge. This variant is reported with the allele frequency 0.01% in the gnomAD Exomes. The amino acid Arginine at position 1516 is changed to a Glutamine changing protein sequence and it might alter its composition and physico-chemical properties. The variant is predicted as damaging by SIFT. The residue is conserved by GERP++ and PhyloP across 100 vertebrates. For these reasons, this variant has been classified as Uncertain Significance. In the absence of another reportable variant, the molecular diagnosis is not confirmed.

PreventionGenetics, part of Exact Sciences
Classification: Uncertain significance for COL4A3-related condition. Last evaluated: 2024-07-09. Review status: no assertion criteria provided. Collection method: clinical testing. Allele origin: germline. Not counted in ClinVar's aggregate classification.
Comment: The COL4A3 c.4547G>A variant is predicted to result in the amino acid substitution p.Arg1516Gln. To our knowledge, this variant has not been reported in the literature. This variant is reported in 0.039% of alleles in individuals of South Asian descent in gnomAD. At this time, the clinical significance of this variant is uncertain due to the absence of conclusive functional and genetic evidence.

Literature cited by the submitters: PubMed 12028435 (cited by Victorian Clinical Genetics Services, Murdoch Childrens Research Institute); PubMed 33980730 (cited by Victorian Clinical Genetics Services, Murdoch Childrens Research Institute).